The following is an entry in ClinVar:

ClinVar aggregate classification (germline): Likely pathogenic (1 of 4 stars; one submission).

Conditions:
Congenital myotonia, autosomal dominant form (THD). Also called: THOMSEN DISEASE; Myotonia congenita autosomal dominant. Identifiers: Orphanet 614, MedGen C2936781, MONDO:0008055, OMIM 160800.
Congenital myotonia, autosomal recessive form. Also called: BECKER DISEASE; Becker Generalized Myotonia; myotonia congenita, autosomal recessive. Identifiers: Orphanet 614, MedGen C0751360, MONDO:0009715, OMIM 255700.

Allele frequency attached by ClinVar (database versions not stated): TOPMed below 0.00001; gnomAD exomes 0.00001; ExAC 0.00006.
gnomAD v4.1: 1 of 1,539,980 alleles (0.000065%); no homozygotes.

Submission:

Labcorp Genetics (formerly Invitae), Labcorp
Classification: Likely pathogenic for Congenital myotonia, autosomal recessive form; Congenital myotonia, autosomal dominant form. Last evaluated: 2024-11-27. Review status: criteria provided, single submitter. Criteria: Invitae Variant Classification Sherloc (09022015). Collection method: clinical testing. Allele origin: germline.
Comment: This sequence change replaces serine, which is neutral and polar, with proline, which is neutral and non-polar, at codon 651 of the CLCN1 protein (p.Ser651Pro). This variant is present in population databases (rs754350357, gnomAD 0.004%). This missense change has been observed in individual(s) with autosomal recessive myotonia congenita (internal data). In at least one individual the data is consistent with being in trans (on the opposite chromosome) from a pathogenic variant. ClinVar contains an entry for this variant (Variation ID: 640272). Invitae Evidence Modeling of protein sequence and biophysical properties (such as structural, functional, and spatial information, amino acid conservation, physicochemical variation, residue mobility, and thermodynamic stability) has been performed for this missense variant. However, the output from this modeling did not meet the statistical confidence thresholds required to predict the impact of this variant on CLCN1 protein function. In summary, the currently available evidence indicates that the variant is pathogenic, but additional data are needed to prove that conclusively. Therefore, this variant has been classified as Likely Pathogenic.

NM_000083.3(CLCN1):c.1951T>C (p.Ser651Pro)

Genes: CLCN1 (chloride voltage-gated channel 1; plus strand), LOC123956257 (Sharpr-MPRA regulatory region 4117; plus strand). Cytogenetic location: 7q34.
Variant type: single nucleotide variant.
Coding change: c.1951T>C on transcript NM_000083.3 (MANE Select); coding-DNA position 1951, T replaced by C.
Protein change: p.Ser651Pro; replaces serine 651 with proline.
Molecular consequence: missense variant. On other transcripts: non-coding transcript variant (1).
Genome position (GRCh38, 1-based): chr7:143,345,541, T>C. VCF-style: chr7-143345541-T-C. GRCh37 (hg19) VCF-style: chr7-143042634-T-C.
Other names: short protein forms S651P.
Identifiers: ClinVar variation 640272 (VCV000640272.8), dbSNP rs754350357, ClinGen allele CA4537521.
Genomic context (GRCh38, chr7:143,345,541, plus strand): 5'-CTTGGAGGGGGCGCTCAGGCAGGGCGTGGGTTTCCCTCAGATTCAATGATCCTGCTGGGC[T>C]CGGTGGAGCGGTCGGAACTGCAGGCCCTCCTGCAGCGCCACCTGTGTCCTGAGCGCAGGC-3'
Protein context (NP_000074.3, residues 641-661): DSKDSMILLG[Ser651Pro]VERSELQALL